The following is an entry in ClinVar:

NM_003336.4(UBE2A):c.241+14T>C

Gene: UBE2A (ubiquitin conjugating enzyme E2 A; plus strand). Cytogenetic location: Xq24.
Variant type: single nucleotide variant.
Coding change: c.241+14T>C on transcript NM_003336.4 (MANE Select); 14 bases into the intron after coding-DNA position 241, T replaced by C.
Molecular consequence: intron variant.
Genome position (GRCh38, 1-based): chrX:119,581,610, T>C. VCF-style: chrX-119581610-T-C. GRCh37 (hg19) VCF-style: chrX-118715573-T-C.
Other names: c.152-978T>C (NM_181762.3); c.142+14T>C (NM_001282161.2).
Identifiers: ClinVar variation 1703151 (VCV001703151.3), dbSNP rs2053451074, ClinGen allele CA2454589492.

ClinVar aggregate classification (germline): Uncertain significance (1 of 4 stars; one submission).

Allele frequency attached by ClinVar (database versions not stated): TOPMed below 0.00001.

Submission:

Greenwood Genetic Center Diagnostic Laboratories, Greenwood Genetic Center
Classification: Uncertain significance. Last evaluated: 2022-04-20. Review status: criteria provided, single submitter. Criteria: ACMG Guidelines, 2015. Collection method: clinical testing. Allele origin: germline. Affected: yes.
Comment: PM2